The following is an entry in ClinVar:

ClinVar aggregate classification (germline): Uncertain significance (1 of 4 stars; one submission).

Submission:

GeneDx
Classification: Uncertain significance. Last evaluated: 2025-01-07. Review status: criteria provided, single submitter. Criteria: GeneDx Variant Classification Process June 2021. Collection method: clinical testing. Allele origin: germline. Affected: yes.
Comment: Nonsense variant predicted to result in protein truncation or nonsense mediated decay in a gene or region of a gene for which loss of function is not a well-established mechanism of disease; Not observed at significant frequency in large population cohorts (gnomAD); Has not been previously published as pathogenic or benign to our knowledge

NM_001267550.2(TTN):c.39160A>T (p.Lys13054Ter)

Gene: TTN (titin; minus strand). Cytogenetic location: 2q31.2.
Variant type: single nucleotide variant.
Coding change: c.39160A>T on transcript NM_001267550.2 (MANE Select); coding-DNA position 39160, A replaced by T.
Protein change: p.Lys13054Ter; replaces lysine 13054 with a stop codon.
Molecular consequence: nonsense. On other transcripts: intron variant (3).
Genome position (GRCh38, 1-based): chr2:178,652,315, T>A on the plus strand (A>T on the coding strand, the complement: TTN is on the minus strand). VCF-style: chr2-178652315-T-A. GRCh37 (hg19) VCF-style: chr2-179517042-T-A.
Other names: c.34639A>T, p.Lys11547Ter (NM_001256850.1); c.31858A>T, p.Lys10620Ter (NM_133378.4); c.13283-9998A>T (NM_003319.4); c.13859-9998A>T (NM_133437.4); c.13658-9998A>T (NM_133432.3); short protein forms K10620*, K11547*, K13054*.
Identifiers: ClinVar variation 4056970 (VCV004056970.1).